The following is an entry in ClinVar:

NM_007186.6(CEP250):c.6975C>T (p.Ile2325=)

Gene: CEP250 (centrosomal protein 250; plus strand). Cytogenetic location: 20q11.22.
Variant type: single nucleotide variant.
Coding change: c.6975C>T on transcript NM_007186.6 (MANE Select); coding-DNA position 6975, C replaced by T.
Protein change: p.Ile2325=; no amino-acid change (isoleucine 2325 retained).
Molecular consequence: synonymous variant.
Genome position (GRCh38, 1-based): chr20:35,509,011, C>T. VCF-style: chr20-35509011-C-T. GRCh37 (hg19) VCF-style: chr20-34096840-C-T.
Other names: c.5079C>T, p.Ile1693= (NM_001318219.1).
Identifiers: ClinVar variation 3041640 (VCV003041640.2), dbSNP rs1486338071, ClinGen allele CA510323321.

ClinVar aggregate classification (germline): Likely benign (0 of 4 stars; one submission).

Conditions:
CEP250-related disorder. Also called: CEP250-related condition.

Allele frequency attached by ClinVar (database versions not stated): gnomAD exomes below 0.00001.
gnomAD v4.1: 3 of 1,558,422 alleles (0.00019%); highest among the groups gnomAD compares: Admixed American, 0.0019%; no homozygotes.

Submission:

PreventionGenetics, part of Exact Sciences
Classification: Likely benign for CEP250-related condition. Last evaluated: 2019-05-08. Review status: no assertion criteria provided. Collection method: clinical testing. Allele origin: germline.
Comment: This variant is classified as likely benign based on ACMG/AMP sequence variant interpretation guidelines (Richards et al. 2015 PMID: 25741868, with internal and published modifications).